The following is an entry in ClinVar:

ClinVar aggregate classification (germline): Uncertain significance (1 of 4 stars; one submission).

Conditions:
Nemaline myopathy 2 (NEM2). Also called: Nemaline myopathy 2, autosomal recessive. Identifiers: MedGen C1850569, MONDO:0009725, OMIM 256030.

Allele frequency attached by ClinVar (database versions not stated): gnomAD exomes below 0.00001.
gnomAD v4.1: 1 of 1,613,902 alleles (0.000062%); highest among the groups gnomAD compares: South Asian, 0.0011%; no homozygotes.

Submission:

Labcorp Genetics (formerly Invitae), Labcorp
Classification: Uncertain significance for Nemaline myopathy 2. Last evaluated: 2021-08-31. Review status: criteria provided, single submitter. Criteria: Invitae Variant Classification Sherloc (09022015). Collection method: clinical testing. Allele origin: germline.
Comment: This sequence change replaces leucine with proline at codon 1034 of the NEB protein (p.Leu1034Pro). The leucine residue is moderately conserved and there is a moderate physicochemical difference between leucine and proline. This variant is not present in population databases (ExAC no frequency). This variant has not been reported in the literature in individuals affected with NEB-related conditions. Algorithms developed to predict the effect of missense changes on protein structure and function are either unavailable or do not agree on the potential impact of this missense change (SIFT: "Deleterious"; PolyPhen-2: "Not Available"; Align-GVGD: "Class C0"). In summary, the available evidence is currently insufficient to determine the role of this variant in disease. Therefore, it has been classified as a Variant of Uncertain Significance.

NM_001164508.2(NEB):c.3101T>C (p.Leu1034Pro)

Gene: NEB (nebulin; minus strand). Cytogenetic location: 2q23.3.
Variant type: single nucleotide variant.
Coding change: c.3101T>C on transcript NM_001164508.2 (MANE Select); coding-DNA position 3101, T replaced by C.
Protein change: p.Leu1034Pro; replaces leucine 1034 with proline.
Molecular consequence: missense variant.
Genome position (GRCh38, 1-based): chr2:151,679,964, A>G on the plus strand (T>C on the coding strand, the complement: NEB is on the minus strand). VCF-style: chr2-151679964-A-G. GRCh37 (hg19) VCF-style: chr2-152536478-A-G.
Other names: c.3101T>C, p.Leu1034Pro (NM_001164507.2, NM_001271208.2, NM_004543.5); short protein forms L1034P.
Identifiers: ClinVar variation 1978913 (VCV001978913.1), dbSNP rs2099402325, ClinGen allele CA348820526.
Genomic context (GRCh38, chr2:151,679,964, plus strand): 5'-GTCCACCCACGCACCTCACTGATATTGTAGGCATTAACTTTAGCCTGGATGAACTGGGGC[A>G]GGTCTGGTGGCAGGTTGTATTTGTGAATAATTTCCTCTCCTTTGGCTTTGTAAGCGATCT-3'
Protein context (NP_001157980.2, residues 1024-1044): IIHKYNLPPD[Leu1034Pro]PQFIQAKVNA